The following is an entry in ClinVar:

NM_015015.3(KDM4B):c.1960C>T (p.Pro654Ser)

Gene: KDM4B (lysine demethylase 4B; plus strand). Cytogenetic location: 19p13.3.
Variant type: single nucleotide variant.
Coding change: c.1960C>T on transcript NM_015015.3 (MANE Select); coding-DNA position 1960, C replaced by T.
Protein change: p.Pro654Ser; replaces proline 654 with serine.
Molecular consequence: missense variant.
Genome position (GRCh38, 1-based): chr19:5,133,936, C>T. VCF-style: chr19-5133936-C-T. GRCh37 (hg19) VCF-style: chr19-5133947-C-T.
Other names: c.2062C>T, p.Pro688Ser (NM_001411148.1); short protein forms P654S, P688S.
Identifiers: ClinVar variation 4535552 (VCV004535552.1).
Genomic context (GRCh38, chr19:5,133,936, plus strand): 5'-CTTCTAGAGGCATCCCCTTTCTCCGGGGAGGAAGATGTGAGTGACCCGGACGCCTTGAGG[C>T]CGCTGCTGTCTCTGCAGTGGAAGAACAGGGCGGCCAGCTTCCAGGCCGAGAGGAAGTTCA-3'
Protein context (NP_055830.1, residues 644-664): EDVSDPDALR[Pro654Ser]LLSLQWKNRA

ClinVar aggregate classification (germline): Uncertain significance (1 of 4 stars; one submission).

gnomAD v4.1: 1 of 1,613,016 alleles (0.000062%); highest among the groups gnomAD compares: Non-Finnish European, 0.000085%; no homozygotes.

Submission:

Women's Health and Genetics/Laboratory Corporation of America, LabCorp
Classification: Uncertain significance. Last evaluated: 2025-09-12. Review status: criteria provided, single submitter. Criteria: LabCorp Variant Classification Summary - May 2015. Collection method: clinical testing. Allele origin: germline.
Comment: Variant summary: KDM4B c.1960C>T (p.Pro654Ser) results in a non-conservative amino acid change in the encoded protein sequence. Algorithms developed to predict the effect of missense changes on protein structure and function are either unavailable or do not agree on the potential impact of this missense change. The frequency data for this variant in gnomAD is considered unreliable, as metrics indicate poor data quality at this position. To our knowledge, no occurrence of c.1960C>T in individuals affected with KDM4B-related conditions and no experimental evidence demonstrating its impact on protein function have been reported. No submitters have cited clinical-significance assessments for this variant to ClinVar. Based on the evidence outlined above, the variant was classified as uncertain significance.